The following is an entry in ClinVar:

ClinVar aggregate classification (germline): Uncertain significance. Review status: criteria provided, multiple submitters, no conflicts (2 of 4 stars). 7 submissions from 7 submitters: Uncertain significance (7). Last evaluated 2026-08-28.

Conditions:
Cardiovascular phenotype. Identifiers: MedGen CN230736.
Hereditary cancer-predisposing syndrome. Also called: Tumor predisposition; Hereditary neoplastic syndrome; Neoplastic Syndromes, Hereditary; Hereditary Cancer Syndrome. Identifiers: Orphanet 140162, MedGen C0027672, MeSH D009386, MONDO:0015356.
Noonan syndrome and Noonan-related syndrome. Identifiers: Orphanet 98733, MedGen C5681679, MONDO:0020297.
LZTR1-related disorder. Also called: LZTR1-related disorders; LZTR1-related condition.
LZTR1-related schwannomatosis. Also called: Schwannomatosis-2, susceptibility to; Schwannomatosis 2. Identifiers: Orphanet 93921, MedGen C3810283, MONDO:0014299, OMIM 615670.

Allele frequency attached by ClinVar (database versions not stated): gnomAD exomes 0.00003 and 0.00004; ExAC 0.00005; TOPMed 0.00006; gnomAD 0.00007 and 0.00008; ESP Exome Variant Server 0.00008.
gnomAD v4.1: 67 of 1,613,150 alleles (0.0042%); highest among the groups gnomAD compares: African/African-American, 0.016%; no homozygotes.

Submissions (7):

GeneDx
Classification: Uncertain significance. Last evaluated: 2026-08-28. Review status: criteria provided, single submitter. Criteria: GeneDx Variant Classification Process June 2021. Collection method: clinical testing. Allele origin: germline.
Comment: In silico analysis supports that this missense variant has a deleterious effect on protein structure/function; In silico analysis suggests this variant may impact gene splicing. In the absence of RNA/functional studies, the actual effect of this sequence change is unknown.; Identified in individual(s) with a disorder of sex development (PMID: 36110220); This variant is associated with the following publications: (PMID: 36110220)

Women's Health and Genetics/Laboratory Corporation of America, LabCorp
Classification: Uncertain significance. Last evaluated: 2026-02-09. Review status: criteria provided, single submitter. Criteria: LabCorp Variant Classification Summary - May 2015. Collection method: clinical testing. Allele origin: germline.
Comment: Variant summary: LZTR1 c.2023G>A (p.Gly675Arg) results in a non-conservative amino acid change in the encoded protein sequence. Algorithms developed to predict the effect of missense changes on protein structure and function all suggest that this variant is likely to be disruptive. The variant allele was found at a frequency of 3.2e-05 in 250858 control chromosomes. The available data on variant occurrences in the general population are insufficient to allow any conclusion about variant significance. c.2023G>A has been observed in individual(s) affected with disorders/differences of sex development (example: Zidoune_2022). These report(s) do not provide unequivocal conclusions about association of the variant with Noonan Syndrome 2. To our knowledge, no experimental evidence demonstrating an impact on protein function has been reported. The following publication has been ascertained in the context of this evaluation (PMID: 36110220). ClinVar contains an entry for this variant (Variation ID: 1053328). Based on the evidence outlined above, the variant was classified as uncertain significance.

PreventionGenetics, part of Exact Sciences
Classification: Uncertain significance for LZTR1-related condition. Last evaluated: 2026-01-29. Review status: criteria provided, single submitter. Criteria: ACMG Guidelines, 2015. Collection method: clinical testing. Allele origin: germline.
Comment: The LZTR1 c.2023G>A variant is predicted to result in the amino acid substitution p.Gly675Arg. This variant is reported in 0.012% of alleles in individuals of African descent in gnomAD. At this time, the clinical significance of this variant is uncertain due to the absence of conclusive functional and genetic evidence.

Labcorp Genetics (formerly Invitae), Labcorp
Classification: Uncertain significance. Last evaluated: 2026-01-19. Review status: criteria provided, single submitter. Criteria: Invitae Variant Classification Sherloc (09022015). Collection method: clinical testing. Allele origin: germline.
Comment: This sequence change replaces glycine, which is neutral and non-polar, with arginine, which is basic and polar, at codon 675 of the LZTR1 protein (p.Gly675Arg). This variant is present in population databases (rs369362070, gnomAD 0.01%). This variant has not been reported in the literature in individuals affected with LZTR1-related conditions. ClinVar contains an entry for this variant (Variation ID: 1053328). Invitae Evidence Modeling of protein sequence and biophysical properties (such as structural, functional, and spatial information, amino acid conservation, physicochemical variation, residue mobility, and thermodynamic stability) indicates that this missense variant is not expected to disrupt LZTR1 protein function with a negative predictive value of 80%. Algorithms developed to predict the effect of sequence changes on RNA splicing suggest that this variant may create or strengthen a splice site. In summary, the available evidence is currently insufficient to determine the role of this variant in disease. Therefore, it has been classified as a Variant of Uncertain Significance.

Ambry Genetics
Classification: Uncertain significance for Cardiovascular phenotype; Hereditary cancer-predisposing syndrome. Last evaluated: 2025-03-13. Review status: criteria provided, single submitter. Criteria: Ambry Variant Classification Scheme 2023. Collection method: clinical testing. Allele origin: germline.
Comment: The p.G675R variant (also known as c.2023G>A), located in coding exon 17 of the LZTR1 gene, results from a G to A substitution at nucleotide position 2023. The glycine at codon 675 is replaced by arginine, an amino acid with dissimilar properties. This amino acid position is highly conserved in available vertebrate species. In addition, this alteration is predicted to be deleterious by in silico analysis. Based on the available evidence, the clinical significance of this variant remains unclear.

Baylor Genetics
Classification: Uncertain significance for LZTR1-related schwannomatosis. Last evaluated: 2024-01-23. Review status: criteria provided, single submitter. Criteria: ACMG Guidelines, 2015. Collection method: clinical testing. Allele origin: unknown.

Genome Diagnostics Laboratory, The Hospital for Sick Children
Classification: Uncertain significance for Noonan syndrome and Noonan-related syndrome. Last evaluated: 2021-02-02. Review status: criteria provided, single submitter. Criteria: ACMG Guidelines, 2015. Collection method: clinical testing. Allele origin: germline.

Literature cited by the submitters: PubMed 36110220 (cited by Women's Health and Genetics/Laboratory Corporation of America, LabCorp).

NM_006767.4(LZTR1):c.2023G>A (p.Gly675Arg)

Gene: LZTR1 (leucine zipper like post translational regulator 1; plus strand). Cytogenetic location: 22q11.21.
Variant type: single nucleotide variant.
Coding change: c.2023G>A on transcript NM_006767.4 (MANE Select); coding-DNA position 2023, G replaced by A.
Protein change: p.Gly675Arg; replaces glycine 675 with arginine.
Molecular consequence: missense variant.
Genome position (GRCh38, 1-based): chr22:20,995,826, G>A. VCF-style: chr22-20995826-G-A. GRCh37 (hg19) VCF-style: chr22-21350115-G-A.
Other names: short protein forms G675R.
Identifiers: ClinVar variation 1053328 (VCV001053328.22), dbSNP rs369362070, ClinGen allele CA10119201.
Genomic context (GRCh38, chr22:20,995,826, plus strand): 5'-ATGAAGGCATACCTGGAGGGAGCGGGCGCGGAATTCTGTGACATCACTCTGTTGCTTGAC[G>A]GGCACCCACGGCCAGCCCACAAGGCTATCCTGGCCGCCCGCTCCAGGTGGGTGGGGGCTG-3'
Protein context (NP_006758.2, residues 665-685): EFCDITLLLD[Gly675Arg]HPRPAHKAIL